The following is an entry in ClinVar:

ClinVar aggregate classification (germline): Uncertain significance (1 of 4 stars; one submission).

Conditions:
Familial encephalopathy with neuroserpin inclusion bodies. Also called: ENCEPHALOPATHY, FAMILIAL, WITH COLLINS BODIES. Identifiers: Orphanet 85110, MedGen C1858680, MONDO:0011412, OMIM 604218.

Allele frequency attached by ClinVar (database versions not stated): gnomAD exomes below 0.00001.
gnomAD v4.1: 1 of 1,613,118 alleles (0.000062%); highest among the groups gnomAD compares: Non-Finnish European, 0.000085%; no homozygotes.

Submission:

Labcorp Genetics (formerly Invitae), Labcorp
Classification: Uncertain significance for Familial encephalopathy with neuroserpin inclusion bodies. Last evaluated: 2025-01-06. Review status: criteria provided, single submitter. Criteria: Invitae Variant Classification Sherloc (09022015). Collection method: clinical testing. Allele origin: germline.
Comment: This sequence change replaces valine, which is neutral and non-polar, with methionine, which is neutral and non-polar, at codon 163 of the SERPINI1 protein (p.Val163Met). This variant is not present in population databases (gnomAD no frequency). This variant has not been reported in the literature in individuals affected with SERPINI1-related conditions. ClinVar contains an entry for this variant (Variation ID: 2090093). Invitae Evidence Modeling of protein sequence and biophysical properties (such as structural, functional, and spatial information, amino acid conservation, physicochemical variation, residue mobility, and thermodynamic stability) indicates that this missense variant is not expected to disrupt SERPINI1 protein function with a negative predictive value of 80%. In summary, the available evidence is currently insufficient to determine the role of this variant in disease. Therefore, it has been classified as a Variant of Uncertain Significance.

NM_001122752.2(SERPINI1):c.487G>A (p.Val163Met)

Gene: SERPINI1 (serpin family I member 1; plus strand). Cytogenetic location: 3q26.1.
Variant type: single nucleotide variant.
Coding change: c.487G>A on transcript NM_001122752.2 (MANE Select); coding-DNA position 487, G replaced by A.
Protein change: p.Val163Met; replaces valine 163 with methionine.
Molecular consequence: missense variant.
Genome position (GRCh38, 1-based): chr3:167,792,595, G>A. VCF-style: chr3-167792595-G-A. GRCh37 (hg19) VCF-style: chr3-167510383-G-A.
Other names: c.487G>A, p.Val163Met (NM_005025.5); short protein forms V163M.
Identifiers: ClinVar variation 2090093 (VCV002090093.4), dbSNP rs2476230870, ClinGen allele CA355156439.